The following is an entry in ClinVar:

NM_194312.4(ESPNL):c.729G>A (p.Leu243=)

Gene: ESPNL (espin like; plus strand). Cytogenetic location: 2q37.3.
Variant type: single nucleotide variant.
Coding change: c.729G>A on transcript NM_194312.4 (MANE Select); coding-DNA position 729, G replaced by A.
Protein change: p.Leu243=; no amino-acid change (leucine 243 retained).
Molecular consequence: synonymous variant.
Genome position (GRCh38, 1-based): chr2:238,107,847, G>A. VCF-style: chr2-238107847-G-A. GRCh37 (hg19) VCF-style: chr2-239016488-G-A.
Identifiers: ClinVar variation 2652058 (VCV002652058.24), dbSNP rs149388984, ClinGen allele CA2194532.

ClinVar aggregate classification (germline): Likely benign (1 of 4 stars; one submission).

Allele frequency attached by ClinVar (database versions not stated): 1000 Genomes Project 30x 0.00156; TOPMed 0.00179; 1000 Genomes Project 0.00180; gnomAD 0.00181; ESP Exome Variant Server 0.00231; ExAC 0.00313.
gnomAD v4.1: 4,871 of 1,609,138 alleles (0.3%); highest among the groups gnomAD compares: South Asian, 0.55%; 18 homozygotes.

Submission:

CeGaT Center for Human Genetics Tuebingen
Classification: Likely benign. Last evaluated: 2022-11-01. Review status: criteria provided, single submitter. Criteria: CeGaT Center For Human Genetics Tuebingen Variant Classification Criteria Version 2. Collection method: clinical testing. Allele origin: germline. Affected: yes. Observed: 1 variant allele.
Comment: ESPNL: BP4, BP7, BS2